The following is an entry in ClinVar:

NM_001849.4(COL6A2):c.1615C>T (p.Arg539Ter)

Gene: COL6A2 (collagen type VI alpha 2 chain; plus strand). Cytogenetic location: 21q22.3.
Variant type: single nucleotide variant.
Coding change: c.1615C>T on transcript NM_001849.4 (MANE Select); coding-DNA position 1615, C replaced by T.
Protein change: p.Arg539Ter; replaces arginine 539 with a stop codon.
Molecular consequence: nonsense.
Genome position (GRCh38, 1-based): chr21:46,122,881, C>T. VCF-style: chr21-46122881-C-T. GRCh37 (hg19) VCF-style: chr21-47542795-C-T.
Other names: c.1615C>T, p.Arg539Ter (NM_058174.3, NM_058175.3); short protein forms R539*.
Identifiers: ClinVar variation 497233 (VCV000497233.15), dbSNP rs749593004, ClinGen allele CA10072065.

ClinVar aggregate classification (germline): Pathogenic/Likely pathogenic. Review status: criteria provided, multiple submitters, no conflicts (2 of 4 stars). 6 submissions from 6 submitters: Pathogenic (5); Likely pathogenic (1). Last evaluated 2025-10-29.

Conditions:
Bethlem myopathy 1A. Also called: Bethlem myopathy 1; MYOPATHY, BENIGN CONGENITAL, WITH CONTRACTURES; Bethlem Muscular Dystrophy. Identifiers: Orphanet 610, MedGen CN029274, MONDO:0024530, OMIM 158810.
COL6A2-related disorder.
Ullrich congenital muscular dystrophy 1A. Also called: Ullrich congenital muscular dystrophy 1; Intermediate COL6-RD. Identifiers: Orphanet 75840, MedGen C0410179, MONDO:0009681, OMIM 254090.

Allele frequency attached by ClinVar (database versions not stated): TOPMed below 0.00001; gnomAD exomes 0.00001; ExAC 0.00002.
gnomAD v4.1: 6 of 1,613,230 alleles (0.00037%); highest among the groups gnomAD compares: Admixed American, 0.0033%; no homozygotes.

Submissions (6):

Dasa
Classification: Pathogenic. Last evaluated: 2025-10-29. Review status: criteria provided, single submitter. Criteria: DASA Assertion Criteria. Collection method: clinical testing. Allele origin: germline.
Comment: NM_001849.4(COL6A2):c.1615C>T (p.Arg539*) introduces a premature termination codon predicted to result in loss of normal protein function. Loss-of-function is an established mechanism of disease for this gene. This variant has been reported in an affected individual with related phenotype in a genotype context consistent with recessive disease (PMID: 24271325). The variant is present at low frequency in population datasets. Based on the available data, this variant is classified as pathogenic.

3billion
Classification: Pathogenic for COL6A2-related disorder. Last evaluated: 2025-10-03. Review status: criteria provided, single submitter. Criteria: ACMG Guidelines, 2015. Collection method: clinical testing. Allele origin: germline. Affected: yes.
Comment: The variant is observed at an extremely low frequency in the gnomAD v4.1.0 dataset (total allele frequency: <0.001%). Predicted Consequence/Location: Stop-gained (nonsense): predicted to result in a loss or disruption of normal protein function through nonsense-mediated decay (NMD) or protein truncation. Multiple pathogenic variants are reported downstream of the variant. The variant has been reported at least twice as pathogenic with clinical assertions and evidence for the classification (ClinVar ID: VCV000497233 /PMID: 24271325 /3billion dataset). Therefore, this variant is classified as Pathogenic according to the recommendation of ACMG/AMP guideline.

Labcorp Genetics (formerly Invitae), Labcorp
Classification: Pathogenic for Bethlem myopathy 1A. Last evaluated: 2024-03-13. Review status: criteria provided, single submitter. Criteria: Invitae Variant Classification Sherloc (09022015). Collection method: clinical testing. Allele origin: germline.
Comment: This sequence change creates a premature translational stop signal (p.Arg539*) in the COL6A2 gene. It is expected to result in an absent or disrupted protein product. Loss-of-function variants in COL6A2 are known to be pathogenic (PMID: 19884007, 20976770). This variant is present in population databases (rs749593004, gnomAD 0.003%). This premature translational stop signal has been observed in individual(s) with autosomal recessive Ullrich congenital muscular dystrophy (PMID: 24271325). ClinVar contains an entry for this variant (Variation ID: 497233). Algorithms developed to predict the effect of sequence changes on RNA splicing suggest that this variant may disrupt the consensus splice site. For these reasons, this variant has been classified as Pathogenic.

Eurofins Ntd Llc (ga)
Classification: Pathogenic. Last evaluated: 2016-10-03. Review status: criteria provided, single submitter. Criteria: EGL Classification Definitions 2015. Collection method: clinical testing. Allele origin: germline. Observed: 1 variant allele, 1 heterozygote.

CENTOGENE GmbH and LLC - Guiding Precision Medicine
Classification: Likely pathogenic for Ullrich congenital muscular dystrophy 1A. Review status: criteria provided, single submitter. Criteria: ACMG Guidelines, 2015. Collection method: clinical testing. Allele origin: germline. Affected: yes.

Kasturba Medical College, Manipal, Kasturba Medical College, Manipal, Manipal Academy of Higher Education, Manipal, India
Classification: Pathogenic for Ullrich congenital muscular dystrophy 1A. Review status: criteria provided, single submitter. Criteria: ACMG Guidelines, 2015. Collection method: clinical testing. Allele origin: biparental. Inheritance: Autosomal recessive inheritance. Affected: yes. Observed: 1 homozygote.
Comment: The variant c.1615C>T introduces a premature termination codon in the COL6A2 transcript, which may either result in a truncated protein or trigger nonsense-mediated mRNA decay. The clinical features observed in the proband are in concordance with Ullrich congenital muscular dystrophy 1B.

Literature cited by the submitters: PubMed 24271325 (cited by 3 submitters); PubMed 19884007 (cited by Labcorp Genetics (formerly Invitae), Labcorp); PubMed 20976770 (cited by Labcorp Genetics (formerly Invitae), Labcorp); PubMed 32860008 (cited by CENTOGENE GmbH and LLC - Guiding Precision Medicine).